The following is an entry in ClinVar:

NM_020631.6(PLEKHG5):c.2914C>T (p.Pro972Ser)

Gene: PLEKHG5 (pleckstrin homology and RhoGEF domain containing G5; minus strand). Cytogenetic location: 1p36.31.
Variant type: single nucleotide variant.
Coding change: c.2914C>T on transcript NM_020631.6 (MANE Select); coding-DNA position 2914, C replaced by T.
Protein change: p.Pro972Ser; replaces proline 972 with serine.
Molecular consequence: missense variant. On other transcripts: intron variant (1).
Genome position (GRCh38, 1-based): chr1:6,467,922, G>A on the plus strand (C>T on the coding strand, the complement: PLEKHG5 is on the minus strand). VCF-style: chr1-6467922-G-A. GRCh37 (hg19) VCF-style: chr1-6527982-G-A.
Other names: c.3025C>T, p.Pro1009Ser (NM_001042663.3, NM_001265592.2); c.2914C>T, p.Pro972Ser (NM_001042664.2, NM_001042665.2, NM_198681.4); c.3121C>T, p.Pro1041Ser (NM_001265593.2); c.2738-24C>T (NM_001265594.3); short protein forms P1009S, P1041S, P972S.
Identifiers: ClinVar variation 3752037 (VCV003752037.10).

ClinVar aggregate classification (germline): Uncertain significance. Review status: criteria provided, multiple submitters, no conflicts (2 of 4 stars). 2 submissions from 2 submitters: Uncertain significance (2). Last evaluated 2025-08-01.

Conditions:
Neuronopathy, distal hereditary motor, autosomal recessive 4. Also called: Autosomal recessive lower motor neuron disease with childhood onset; NEUROPATHY, DISTAL HEREDITARY MOTOR, AUTOSOMAL RECESSIVE 4. Identifiers: Orphanet 206580, MedGen C1970211, MONDO:0012608, OMIM 611067.
Charcot-Marie-Tooth disease recessive intermediate C. Also called: CHARCOT-MARIE-TOOTH NEUROPATHY, RECESSIVE INTERMEDIATE C. Identifiers: Orphanet 369867, MedGen C3809309, MONDO:0014154, OMIM 615376.

gnomAD v4.1: 3 of 1,594,762 alleles (0.00019%); highest among the groups gnomAD compares: East Asian, 0.0023%; no homozygotes.

Submissions (2):

CeGaT Center for Human Genetics Tuebingen
Classification: Uncertain significance. Last evaluated: 2025-08-01. Review status: criteria provided, single submitter. Criteria: CeGaT Center For Human Genetics Tuebingen Variant Classification Criteria Version 2. Collection method: clinical testing. Allele origin: germline. Affected: yes. Observed: 1 variant allele.
Comment: PLEKHG5: PM2, BP4

Labcorp Genetics (formerly Invitae), Labcorp
Classification: Uncertain significance for Neuronopathy, distal hereditary motor, autosomal recessive 4; Charcot-Marie-Tooth disease recessive intermediate C. Last evaluated: 2024-10-07. Review status: criteria provided, single submitter. Criteria: Invitae Variant Classification Sherloc (09022015). Collection method: clinical testing. Allele origin: germline.
Comment: This sequence change replaces proline, which is neutral and non-polar, with serine, which is neutral and polar, at codon 972 of the PLEKHG5 protein (p.Pro972Ser). The frequency data for this variant in the population databases is considered unreliable, as metrics indicate poor data quality at this position in the gnomAD database. This variant has not been reported in the literature in individuals affected with PLEKHG5-related conditions. An algorithm developed to predict the effect of missense changes on protein structure and function outputs the following: PolyPhen-2: "Benign". The serine amino acid residue is found in multiple mammalian species, which suggests that this missense change does not adversely affect protein function. In summary, the available evidence is currently insufficient to determine the role of this variant in disease. Therefore, it has been classified as a Variant of Uncertain Significance.